The following is an entry in ClinVar:

NM_032043.3(BRIP1):c.2304T>C (p.Gly768=)

Gene: BRIP1 (BRCA1 interacting DNA helicase 1; minus strand). Cytogenetic location: 17q23.2.
Variant type: single nucleotide variant.
Coding change: c.2304T>C on transcript NM_032043.3 (MANE Select); coding-DNA position 2304, T replaced by C.
Protein change: p.Gly768=; no amino-acid change (glycine 768 retained).
Molecular consequence: synonymous variant.
Genome position (GRCh38, 1-based): chr17:61,743,088, A>G on the plus strand (T>C on the coding strand, the complement: BRIP1 is on the minus strand). VCF-style: chr17-61743088-A-G. GRCh37 (hg19) VCF-style: chr17-59820449-A-G.
Identifiers: ClinVar variation 795639 (VCV000795639.12), dbSNP rs1603303843, ClinGen allele CA501151113.

ClinVar aggregate classification (germline): Benign/Likely benign. Review status: criteria provided, multiple submitters, no conflicts (2 of 4 stars). 4 submissions from 4 submitters: Benign (1); Likely benign (3). Last evaluated 2024-09-04.

Conditions:
Hereditary cancer-predisposing syndrome. Also called: Neoplastic Syndromes, Hereditary; Hereditary Cancer Syndrome; Tumor predisposition; Hereditary neoplastic syndrome. Identifiers: Orphanet 140162, MedGen C0027672, MeSH D009386, MONDO:0015356.
Familial cancer of breast. Also called: BREAST CANCER, FAMILIAL; Hereditary breast cancer; hereditary breast carcinoma. Identifiers: Orphanet 227535, MedGen C0346153, MONDO:0016419, OMIM 114480. Disease mechanism: loss of function.
Fanconi anemia complementation group J. Also called: BRIP1-Related Fanconi Anemia. Identifiers: Orphanet 84, MedGen C1836860, MONDO:0012187, OMIM 609054.

Allele frequency attached by ClinVar (database versions not stated): gnomAD exomes below 0.00001; gnomAD 0.00001.
gnomAD v4.1: 2 of 1,613,806 alleles (0.00012%); highest among the groups gnomAD compares: Admixed American, 0.0017%; no homozygotes.

Submissions (4):

Myriad Genetics, Inc.
Classification: Benign for Familial cancer of breast. Last evaluated: 2024-09-04. Review status: criteria provided, single submitter. Criteria: Myriad Autosomal Dominant, Autosomal Recessive and X-Linked Classification Criteria (2023). Collection method: clinical testing. Allele origin: unknown.
Comment: This variant is considered benign. This variant is a silent/synonymous amino acid change and it is not expected to impact splicing.

Labcorp Genetics (formerly Invitae), Labcorp
Classification: Likely benign for Familial cancer of breast; Fanconi anemia complementation group J. Last evaluated: 2024-04-15. Review status: criteria provided, single submitter. Criteria: Invitae Variant Classification Sherloc (09022015). Collection method: clinical testing. Allele origin: germline.

Quest Diagnostics Nichols Institute San Juan Capistrano
Classification: Likely benign. Last evaluated: 2023-09-08. Review status: criteria provided, single submitter. Criteria: Quest Diagnostics criteria. Collection method: clinical testing. Allele origin: unknown.

Ambry Genetics
Classification: Likely benign for Hereditary cancer-predisposing syndrome. Last evaluated: 2022-03-20. Review status: criteria provided, single submitter. Criteria: Ambry Variant Classification Scheme 2023. Collection method: clinical testing. Allele origin: germline.